The following is an entry in ClinVar:

NM_006031.6(PCNT):c.5523T>C (p.Asn1841=)

Gene: PCNT (pericentrin; plus strand). Cytogenetic location: 21q22.3.
Variant type: single nucleotide variant.
Coding change: c.5523T>C on transcript NM_006031.6 (MANE Select); coding-DNA position 5523, T replaced by C.
Protein change: p.Asn1841=; no amino-acid change (asparagine 1841 retained).
Molecular consequence: synonymous variant.
Genome position (GRCh38, 1-based): chr21:46,411,596, T>C. VCF-style: chr21-46411596-T-C. GRCh37 (hg19) VCF-style: chr21-47831510-T-C.
Other names: c.5169T>C, p.Asn1723= (NM_001315529.2).
Identifiers: ClinVar variation 3345828 (VCV003345828.1).
Genomic context (GRCh38, chr21:46,411,596, plus strand): 5'-GCAGCGCCTCCAGGGCGCAGAGGAGGCTGCGGAGCTACAGCTGGCTGAGCTGGAGCGCAA[T>C]GTAGCCCTCAGGGAGGCTGAGGTCGAAGACATGGCCTCCCGGATCCAGGAGTTCGAAGCG-3'
Protein context (NP_006022.3, residues 1831-1851): AELQLAELER[Asn1841=]VALREAEVED

ClinVar aggregate classification (germline): Likely benign (0 of 4 stars; one submission).

Conditions:
PCNT-related disorder. Also called: PCNT-related condition.

gnomAD v4.1: 6 of 1,612,824 alleles (0.00037%); highest among the groups gnomAD compares: African/African-American, 0.008%; no homozygotes.

Submission:

PreventionGenetics, part of Exact Sciences
Classification: Likely benign for PCNT-related condition. Last evaluated: 2024-08-27. Review status: no assertion criteria provided. Collection method: clinical testing. Allele origin: germline.
Comment: This variant is classified as likely benign based on ACMG/AMP sequence variant interpretation guidelines (Richards et al. 2015 PMID: 25741868, with internal and published modifications).